The following is an entry in ClinVar:

ClinVar aggregate classification (germline): Uncertain significance. Review status: criteria provided, multiple submitters, no conflicts (2 of 4 stars). 2 submissions from 2 submitters: Uncertain significance (2). Last evaluated 2024-01-25.

Conditions:
Colorectal cancer. Also called: Malignant Colorectal Neoplasm; Colorectal cancer, somatic. Identifiers: MedGen C0346629, MONDO:0005575, OMIM 114500.
Familial spontaneous pneumothorax (PSP). Identifiers: Orphanet 2903, MedGen C1868193, MONDO:0008259, OMIM 173600.
Birt-Hogg-Dube syndrome 1 (BHD1). Also called: FIBROFOLLICULOMAS WITH TRICHODISCOMAS AND ACROCHORDONS. Identifiers: Orphanet 122, MedGen CN375946, MONDO:0800445, OMIM 135150.
Nonpapillary renal cell carcinoma. Identifiers: Orphanet 422526, MedGen CN074294, MONDO:0007763, OMIM 144700.

Submissions (2):

Fulgent Genetics
Classification: Uncertain significance for Colorectal cancer; Birt-Hogg-Dube syndrome 1; Nonpapillary renal cell carcinoma; Familial spontaneous pneumothorax. Last evaluated: 2024-01-25. Review status: criteria provided, single submitter. Criteria: ACMG Guidelines, 2015. Collection method: clinical testing. Allele origin: germline.

GeneDx
Classification: Uncertain significance. Last evaluated: 2023-04-17. Review status: criteria provided, single submitter. Criteria: GeneDx Variant Classification Process June 2021. Collection method: clinical testing. Allele origin: germline. Affected: yes.
Comment: Not observed at significant frequency in large population cohorts (gnomAD); Has not been previously published as pathogenic or benign to our knowledge; In silico analysis suggests this variant may impact gene splicing. In the absence of RNA/functional studies, the actual effect of this sequence change is unknown.

NM_144997.7(FLCN):c.1542A>G (p.Lys514=)

Gene: FLCN (folliculin; minus strand). Cytogenetic location: 17p11.2.
Variant type: single nucleotide variant.
Coding change: c.1542A>G on transcript NM_144997.7 (MANE Select); coding-DNA position 1542, A replaced by G.
Protein change: p.Lys514=; no amino-acid change (lysine 514 retained).
Molecular consequence: synonymous variant.
Genome position (GRCh38, 1-based): chr17:17,213,853, T>C on the plus strand (A>G on the coding strand, the complement: FLCN is on the minus strand). VCF-style: chr17-17213853-T-C. GRCh37 (hg19) VCF-style: chr17-17117167-T-C.
Other names: c.1596A>G, p.Lys532= (NM_001353229.2); c.1542A>G, p.Lys514= (NM_001353230.2, NM_001353231.2).
Identifiers: ClinVar variation 2663529 (VCV002663529.2), dbSNP rs2544126558, ClinGen allele CA498163182.